The following is an entry in ClinVar:

ClinVar aggregate classification (germline): Uncertain significance. Review status: criteria provided, multiple submitters, no conflicts (2 of 4 stars). 2 submissions from 2 submitters: Uncertain significance (2). Last evaluated 2023-12-21.

Conditions:
Familial thoracic aortic aneurysm and aortic dissection (TAAD). Also called: Thoracic aortic aneurysms and dissections. Identifiers: Orphanet 91387, MedGen C4707243, MONDO:0019625.
Shprintzen-Goldberg syndrome (SGS). Also called: SHPRINTZEN-GOLDBERG CRANIOSYNOSTOSIS SYNDROME; CRANIOSYNOSTOSIS WITH ARACHNODACTYLY AND ABDOMINAL HERNIAS; Marfanoid disorder with craniosynostosis type 1; Marfanoid craniosynostosis syndrome; Shprintzen-Goldberg marfanoid syndrome. Identifiers: Orphanet 2462, MedGen C1321551, MONDO:0008426, OMIM 182212.

Allele frequency attached by ClinVar (database versions not stated): gnomAD exomes 0.00001.

Submissions (2):

Ambry Genetics
Classification: Uncertain significance for Familial thoracic aortic aneurysm and aortic dissection. Last evaluated: 2023-12-21. Review status: criteria provided, single submitter. Criteria: Ambry Variant Classification Scheme 2023. Collection method: clinical testing. Allele origin: germline.
Comment: The p.P344S variant (also known as c.1030C>T), located in coding exon 2 of the SKI gene, results from a C to T substitution at nucleotide position 1030. The proline at codon 344 is replaced by serine, an amino acid with similar properties. This amino acid position is conserved. In addition, the in silico prediction for this alteration is inconclusive. Since supporting evidence is limited at this time, the clinical significance of this alteration remains unclear.

Labcorp Genetics (formerly Invitae), Labcorp
Classification: Uncertain significance for Shprintzen-Goldberg syndrome. Last evaluated: 2023-06-06. Review status: criteria provided, single submitter. Criteria: Invitae Variant Classification Sherloc (09022015). Collection method: clinical testing. Allele origin: germline.
Comment: In summary, the available evidence is currently insufficient to determine the role of this variant in disease. Therefore, it has been classified as a Variant of Uncertain Significance. This sequence change replaces proline, which is neutral and non-polar, with serine, which is neutral and polar, at codon 344 of the SKI protein (p.Pro344Ser). This variant is not present in population databases (gnomAD no frequency). This variant has not been reported in the literature in individuals affected with SKI-related conditions. Advanced modeling of protein sequence and biophysical properties (such as structural, functional, and spatial information, amino acid conservation, physicochemical variation, residue mobility, and thermodynamic stability) has been performed at Invitae for this missense variant, however the output from this modeling did not meet the statistical confidence thresholds required to predict the impact of this variant on SKI protein function.

NM_003036.4(SKI):c.1030C>T (p.Pro344Ser)

Gene: SKI (SKI proto-oncogene; plus strand). Cytogenetic location: 1p36.32.
Variant type: single nucleotide variant.
Coding change: c.1030C>T on transcript NM_003036.4 (MANE Select); coding-DNA position 1030, C replaced by T.
Protein change: p.Pro344Ser; replaces proline 344 with serine.
Molecular consequence: missense variant.
Genome position (GRCh38, 1-based): chr1:2,303,038, C>T. VCF-style: chr1-2303038-C-T. GRCh37 (hg19) VCF-style: chr1-2234477-C-T.
Other names: c.1030C>T (NM_003036.3); short protein forms P344S.
Identifiers: ClinVar variation 2970913 (VCV002970913.4), dbSNP rs2521471939, ClinGen allele CA337954052.